The following is an entry in ClinVar:

NM_030962.4(SBF2):c.4570G>A (p.Gly1524Arg)

Genes: SBF2 (SET binding factor 2; minus strand), SBF2-AS1 (SBF2 antisense RNA 1; plus strand). Cytogenetic location: 11p15.4.
Variant type: single nucleotide variant.
Coding change: c.4570G>A on transcript NM_030962.4 (MANE Select); coding-DNA position 4570, G replaced by A.
Protein change: p.Gly1524Arg; replaces glycine 1524 with arginine.
Molecular consequence: missense variant.
Genome position (GRCh38, 1-based): chr11:9,795,831, C>T on the plus strand (G>A on the coding strand, the complement: SBF2 is on the minus strand). VCF-style: chr11-9795831-C-T. GRCh37 (hg19) VCF-style: chr11-9817378-C-T.
Other names: c.4666G>A, p.Gly1556Arg (NM_001386339.1); c.4441G>A, p.Gly1481Arg (NM_001386342.1); c.4606G>A, p.Gly1536Arg (NM_001424318.1, NM_001425070.1); c.4465G>A, p.Gly1489Arg (NM_001425069.1); short protein forms G1481R, G1489R, G1524R, G1536R, G1556R.
Identifiers: ClinVar variation 5017807 (VCV005017807.1).

ClinVar aggregate classification (germline): Uncertain significance (1 of 4 stars; one submission).

gnomAD v4.1: 10 of 1,613,510 alleles (0.00062%); highest among the groups gnomAD compares: Non-Finnish European, 0.00085%; no homozygotes.

Submission:

GeneDx
Classification: Uncertain significance. Last evaluated: 2026-04-03. Review status: criteria provided, single submitter. Criteria: GeneDx Variant Classification Process June 2021. Collection method: clinical testing. Allele origin: germline.
Comment: Not observed at significant frequency in large population cohorts (gnomAD); In silico analysis supports that this missense variant has a deleterious effect on protein structure/function; Has not been previously published as pathogenic or benign to our knowledge; In silico analysis is inconclusive as to whether the variant alters gene splicing. In the absence of RNA/functional studies, the actual effect of this sequence change is unknown.